The following is an entry in ClinVar:

ClinVar aggregate classification (germline): Uncertain significance (1 of 4 stars; one submission).

Conditions:
Cystic fibrosis (CF). Also called: MUCOVISCIDOSIS. Identifiers: Orphanet 586, MedGen C0010674, MONDO:0009061, OMIM 219700. Disease mechanism: loss of function.

Submission:

Ambry Genetics
Classification: Uncertain significance for Cystic fibrosis. Last evaluated: 2021-12-10. Review status: criteria provided, single submitter. Criteria: Ambry Variant Classification Scheme 2023. Collection method: clinical testing. Allele origin: germline.
Comment: The p.N699I variant (also known as c.2096A>T), located in coding exon 14 of the CFTR gene, results from an A to T substitution at nucleotide position 2096. The asparagine at codon 699 is replaced by isoleucine, an amino acid with dissimilar properties. This amino acid position is conserved. In addition, the in silico prediction for this alteration is inconclusive. Since supporting evidence is limited at this time, the clinical significance of this alteration remains unclear.

NM_000492.4(CFTR):c.2096A>T (p.Asn699Ile)

Gene: CFTR (CF transmembrane conductance regulator; plus strand). Cytogenetic location: 7q31.2.
Variant type: single nucleotide variant.
Coding change: c.2096A>T on transcript NM_000492.4 (MANE Select); coding-DNA position 2096, A replaced by T.
Protein change: p.Asn699Ile; replaces asparagine 699 with isoleucine.
Molecular consequence: missense variant.
Genome position (GRCh38, 1-based): chr7:117,592,263, A>T. VCF-style: chr7-117592263-A-T. GRCh37 (hg19) VCF-style: chr7-117232317-A-T.
Other names: short protein forms N699I.
Identifiers: ClinVar variation 1785797 (VCV001785797.2), dbSNP rs2485109915, ClinGen allele CA368979684.